The following is an entry in ClinVar:

NM_030632.3(ASXL3):c.4924A>G (p.Ile1642Val)

Gene: ASXL3 (ASXL transcriptional regulator 3; plus strand). Cytogenetic location: 18q12.1.
Variant type: single nucleotide variant.
Coding change: c.4924A>G on transcript NM_030632.3 (MANE Select); coding-DNA position 4924, A replaced by G.
Protein change: p.Ile1642Val; replaces isoleucine 1642 with valine.
Molecular consequence: missense variant.
Genome position (GRCh38, 1-based): chr18:33,744,772, A>G. VCF-style: chr18-33744772-A-G. GRCh37 (hg19) VCF-style: chr18-31324736-A-G.
Other names: short protein forms I1642V.
Identifiers: ClinVar variation 1254746 (VCV001254746.3), dbSNP rs562975751, ClinGen allele CA8934355.

ClinVar aggregate classification (germline): Likely benign. Review status: criteria provided, multiple submitters, no conflicts (2 of 4 stars). 2 submissions from 2 submitters: Likely benign (2). Last evaluated 2020-10-15.

Allele frequency attached by ClinVar (database versions not stated): ExAC 0.00004; gnomAD exomes 0.00006; gnomAD 0.00009 and 0.00010; 1000 Genomes Project 30x 0.00031; 1000 Genomes Project 0.00040.
gnomAD v4.1: 49 of 1,614,050 alleles (0.003%); highest among the groups gnomAD compares: Admixed American, 0.037%; no homozygotes.

Submissions (2):

GeneDx
Classification: Likely benign. Last evaluated: 2020-10-15. Review status: criteria provided, single submitter. Criteria: GeneDx Variant Classification Process June 2021. Collection method: clinical testing. Allele origin: germline. Affected: yes.
Comment: In silico analysis supports that this missense variant does not alter protein structure/function; Has not been previously published as pathogenic or benign to our knowledge

Breakthrough Genomics
Classification: Likely benign. Review status: criteria provided, single submitter. Criteria: ACMG Guidelines, 2015. Collection method: not provided. Allele origin: germline. Inheritance: Autosomal dominant inheritance. Affected: yes.